The following is an entry in ClinVar:

ClinVar aggregate classification (germline): Pathogenic. Review status: criteria provided, multiple submitters, no conflicts (2 of 4 stars). 2 submissions from 2 submitters: Pathogenic (2). Last evaluated 2026-02-19.

Submissions (2):

GeneDx
Classification: Pathogenic. Last evaluated: 2026-02-19. Review status: criteria provided, single submitter. Criteria: GeneDx Variant Classification Process June 2021. Collection method: clinical testing. Allele origin: germline.
Comment: Reported as a diagnostic finding in a patient referred for clinical exome sequencing in published literature (PMID: 30577886); Nonsense variant predicted to result in protein truncation or nonsense mediated decay in a gene for which loss of function is a known mechanism of disease; Not observed at significant frequency in large population cohorts (gnomAD); This variant is associated with the following publications: (PMID: 30577886)

Genomic Diagnostic Laboratory, Division of Genomic Diagnostics, Children's Hospital of Philadelphia
Classification: Pathogenic. Last evaluated: 2015-10-02. Review status: criteria provided, single submitter. Criteria: DGD Variant Analysis Guidelines. Collection method: clinical testing. Allele origin: unknown.

NM_001256789.3(CACNA1F):c.4690G>T (p.Glu1564Ter)

Genes: CACNA1F (calcium voltage-gated channel subunit alpha1 F; minus strand), LOC126863257 (BRD4-independent group 4 enhancer GRCh37_chrX:49065732-49066931; plus strand). Cytogenetic location: Xp11.23.
Variant type: single nucleotide variant.
Coding change: c.4690G>T on transcript NM_001256789.3 (MANE Select); coding-DNA position 4690, G replaced by T.
Protein change: p.Glu1564Ter; replaces glutamic acid 1564 with a stop codon.
Molecular consequence: nonsense.
Genome position (GRCh38, 1-based): chrX:49,209,941, C>A on the plus strand (G>T on the coding strand, the complement: CACNA1F is on the minus strand). VCF-style: chrX-49209941-C-A. GRCh37 (hg19) VCF-style: chrX-49066401-C-A.
Other names: c.4528G>T, p.Glu1510Ter (NM_001256790.3); c.4723G>T, p.Glu1575Ter (NM_005183.4); short protein forms E1575*, E1564*, E1510*.
Identifiers: ClinVar variation 252649 (VCV000252649.3), dbSNP rs879255389, ClinGen allele CA10586045.